The following is an entry in ClinVar:

NM_000358.3(TGFBI):c.1265-11C>T

Gene: TGFBI (transforming growth factor beta induced; plus strand). Cytogenetic location: 5q31.1.
Variant type: single nucleotide variant.
Coding change: c.1265-11C>T on transcript NM_000358.3 (MANE Select); 11 bases into the intron before coding-DNA position 1265, C replaced by T.
Molecular consequence: intron variant.
Genome position (GRCh38, 1-based): chr5:136,054,705, C>T. VCF-style: chr5-136054705-C-T. GRCh37 (hg19) VCF-style: chr5-135390394-C-T.
Identifiers: ClinVar variation 350884 (VCV000350884.9), dbSNP rs145873615, ClinGen allele CA3420334.

ClinVar aggregate classification (germline): Benign/Likely benign. Review status: criteria provided, multiple submitters, no conflicts (2 of 4 stars). 3 submissions from 3 submitters: Benign (1); Likely benign (2). Last evaluated 2025-06-24.

Conditions:
Corneal dystrophy. Identifiers: Orphanet 34533, MedGen C0010036, MONDO:0018102, HP:0001131.

Allele frequency attached by ClinVar (database versions not stated): ESP Exome Variant Server 0.00422; TOPMed 0.00493; 1000 Genomes Project 30x 0.00687; 1000 Genomes Project 0.00719.
gnomAD v4.1: 1,547 of 1,613,978 alleles (0.096%); highest among the groups gnomAD compares: African/African-American, 1.6%; 10 homozygotes.

Submissions (3):

Labcorp Genetics (formerly Invitae), Labcorp
Classification: Benign. Last evaluated: 2025-06-24. Review status: criteria provided, single submitter. Criteria: Invitae Variant Classification Sherloc (09022015). Collection method: clinical testing. Allele origin: germline.

Illumina Laboratory Services, Illumina
Classification: Likely benign for Corneal dystrophy. Last evaluated: 2018-01-13. Review status: criteria provided, single submitter. Criteria: ICSL Variant Classification Criteria 13 December 2019. Collection method: clinical testing. Allele origin: germline.
Comment: This variant was observed in the ICSL laboratory as part of a predisposition screen in an ostensibly healthy population. It had not been previously curated by ICSL or reported in the Human Gene Mutation Database (HGMD: prior to June 1st, 2018), and was therefore a candidate for classification through an automated scoring system. Utilizing variant allele frequency, disease prevalence and penetrance estimates, and inheritance mode, an automated score was calculated to assess if this variant is too frequent to cause the disease. Based on the score and internal cut-off values, a variant classified as likely benign is not then subjected to further curation. The score for this variant resulted in a classification of likely benign for this disease.

Breakthrough Genomics
Classification: Likely benign. Review status: criteria provided, single submitter. Criteria: ACMG Guidelines, 2015. Collection method: not provided. Allele origin: germline. Inheritance: Autosomal dominant inheritance. Affected: yes.